The following is an entry in ClinVar:

NM_003579.4(RAD54L):c.2144T>G (p.Leu715Arg)

Genes: LRRC41 (leucine rich repeat containing 41; minus strand), RAD54L (RAD54 like; plus strand). Cytogenetic location: 1p34.1.
Variant type: single nucleotide variant.
Coding change: c.2144T>G on transcript NM_003579.4 (MANE Select); coding-DNA position 2144, T replaced by G.
Protein change: p.Leu715Arg; replaces leucine 715 with arginine.
Molecular consequence: missense variant. On other transcripts: 3 prime UTR variant (1).
Genome position (GRCh38, 1-based): chr1:46,278,182, T>G. VCF-style: chr1-46278182-T-G. GRCh37 (hg19) VCF-style: chr1-46743854-T-G.
Other names: c.*683A>C (NM_006369.5); c.2144T>G, p.Leu715Arg (NM_001142548.2); c.1604T>G, p.Leu535Arg (NM_001370766.1); short protein forms L535R, L715R.
Identifiers: ClinVar variation 3223429 (VCV003223429.1), dbSNP rs777178522, ClinGen allele CA834827.

ClinVar aggregate classification (germline): Uncertain significance (1 of 4 stars; one submission).

Allele frequency attached by ClinVar (database versions not stated): gnomAD exomes below 0.00001; ExAC 0.00001.
gnomAD v4.1: 3 of 1,613,820 alleles (0.00019%); highest among the groups gnomAD compares: South Asian, 0.0033%; no homozygotes.

Submission:

Ambry Genetics
Classification: Uncertain significance. Last evaluated: 2023-09-20. Review status: criteria provided, single submitter. Criteria: Ambry Variant Classification Scheme 2023. Collection method: clinical testing. Allele origin: germline.
Comment: The p.L715R variant (also known as c.2144T>G), located in coding exon 18 of the RAD54L gene, results from a T to G substitution at nucleotide position 2144. The leucine at codon 715 is replaced by arginine, an amino acid with dissimilar properties. This amino acid position is conserved. In addition, this alteration is predicted to be deleterious by in silico analysis. Since supporting evidence is limited at this time, the clinical significance of this alteration remains unclear.